The following is an entry in ClinVar:

NM_144772.3(NAXE):c.7_23dup (p.Leu10fs)

Gene: NAXE (NAD(P)HX epimerase; plus strand). Cytogenetic location: 1q22.
Variant type: Duplication.
Coding change: c.7_23dup on transcript NM_144772.3 (MANE Select); coding-DNA positions 7 to 23, 17 bases duplicated (AGGCTGCGGGCGCTGCT).
Protein change: p.Leu10fs; shifts the reading frame from leucine 10.
Molecular consequence: frameshift variant.
Genome position (GRCh38, 1-based): chr1:156,591,811-156,591,827, AGGCTGCGGGCGCTGCT duplicated. VCF-style (leftmost placement, unchanged base first): chr1-156591810-C-CAGGCTGCGGGCGCTGCT. GRCh37 (hg19) VCF-style: chr1-156561602-C-CAGGCTGCGGGCGCTGCT.
Other names: short protein forms L10fs.
Identifiers: ClinVar variation 3681372 (VCV003681372.2).
Genomic context (GRCh38, chr1:156,591,810, plus strand): 5'-CGCCGCACATGCGCCGGGGCCGGGCCGGGCCGGGGGCGCGCGCTCTGCGAGCTGGATGTC[C>CAGGCTGCGGGCGCTGCT]AGGCTGCGGGCGCTGCTGGGCCTCGGGCTGCTGGTTGCGGGCTCGCGCGTGCCGCGGATC-3'

ClinVar aggregate classification (germline): Pathogenic (1 of 4 stars; one submission).

Submission:

Labcorp Genetics (formerly Invitae), Labcorp
Classification: Pathogenic. Last evaluated: 2024-11-10. Review status: criteria provided, single submitter. Criteria: Invitae Variant Classification Sherloc (09022015). Collection method: clinical testing. Allele origin: germline.
Comment: This sequence change creates a premature translational stop signal (p.Leu10Cysfs*38) in the NAXE gene. It is expected to result in an absent or disrupted protein product. Loss-of-function variants in NAXE are known to be pathogenic (PMID: 27290639, 27616477, 33798445). This variant is present in population databases (no rsID available, gnomAD 0.06%). This variant has not been reported in the literature in individuals affected with NAXE-related conditions. For these reasons, this variant has been classified as Pathogenic.

Literature cited by the submitters: PubMed 27290639; PubMed 27616477; PubMed 33798445.